The following is an entry in ClinVar:

ClinVar aggregate classification (germline): Uncertain significance (1 of 4 stars; one submission).

gnomAD v4.1: 3 of 1,612,650 alleles (0.00019%); highest among the groups gnomAD compares: South Asian, 0.0022%; no homozygotes.

Submission:

GeneDx
Classification: Uncertain significance. Last evaluated: 2025-06-20. Review status: criteria provided, single submitter. Criteria: GeneDx Variant Classification Process June 2021. Collection method: clinical testing. Allele origin: germline. Affected: yes.
Comment: Not observed at significant frequency in large population cohorts (gnomAD); In silico analysis suggests that this missense variant does not alter protein structure/function; Has not been previously published as pathogenic or benign to our knowledge

NM_003136.4(SRP54):c.1165A>G (p.Ser389Gly)

Gene: SRP54 (signal recognition particle 54; plus strand). Cytogenetic location: 14q13.2.
Variant type: single nucleotide variant.
Coding change: c.1165A>G on transcript NM_003136.4 (MANE Select); coding-DNA position 1165, A replaced by G.
Protein change: p.Ser389Gly; replaces serine 389 with glycine.
Molecular consequence: missense variant. On other transcripts: intron variant (1).
Genome position (GRCh38, 1-based): chr14:35,022,918, A>G. VCF-style: chr14-35022918-A-G. GRCh37 (hg19) VCF-style: chr14-35492124-A-G.
Other names: c.1018A>G, p.Ser340Gly (NM_001146282.2); c.1165A>G, p.Ser389Gly (NM_001440813.1); c.1156+3844A>G (NM_001411017.1); short protein forms S340G, S389G.
Identifiers: ClinVar variation 4538944 (VCV004538944.1).
Genomic context (GRCh38, chr14:35,022,918, plus strand): 5'-GCTTTGATGGTGAATGATAATTGTGTGTGAGAGTAACTGACCTTGTCTACAGAACTAGAC[A>G]GTACGGATGGTGCCAAAGTTTTTAGTAAACAACCAGGAAGAATCCAAAGAGTAGCAAGAG-3'
Protein context (NP_003127.1, residues 379-399): MDSMNDQELD[Ser389Gly]TDGAKVFSKQ